The following is an entry in ClinVar:

ClinVar aggregate classification (germline): Pathogenic (1 of 4 stars; one submission).

Conditions:
GLUT1 deficiency syndrome 1, autosomal recessive. Identifiers: MedGen C3149117.

Submission:

Labcorp Genetics (formerly Invitae), Labcorp
Classification: Pathogenic for GLUT1 deficiency syndrome 1, autosomal recessive. Last evaluated: 2021-10-11. Review status: criteria provided, single submitter. Criteria: Invitae Variant Classification Sherloc (09022015). Collection method: clinical testing. Allele origin: germline.
Comment: For these reasons, this variant has been classified as Pathogenic. This variant disrupts a region of the SLC2A1 protein in which other variant(s) (p.Arg212Cys) have been determined to be pathogenic (PMID: 20129935, 21832227). This suggests that this is a clinically significant region of the protein, and that variants that disrupt it are likely to be disease-causing. This variant has not been reported in the literature in individuals affected with SLC2A1-related conditions. This variant is a gross deletion of the genomic region encompassing exon(s) 5-6 of the SLC2A1 gene. This variant would be expected to be in-frame, preserving the integrity of the reading frame.

Literature cited by the submitters: PubMed 20129935; PubMed 21832227.

NC_000001.10:g.(?_43395244)_(43395726_?)del

Gene: SLC2A1 (solute carrier family 2 member 1; minus strand). Cytogenetic location: 1p34.2.
Variant type: Deletion.
Identifiers: ClinVar variation 1456207 (VCV001456207.4).